The following is an entry in ClinVar:

NM_014362.4(HIBCH):c.712G>A (p.Glu238Lys)

Gene: HIBCH (3-hydroxyisobutyryl-CoA hydrolase; minus strand). Cytogenetic location: 2q32.2.
Variant type: single nucleotide variant.
Coding change: c.712G>A on transcript NM_014362.4 (MANE Select); coding-DNA position 712, G replaced by A.
Protein change: p.Glu238Lys; replaces glutamic acid 238 with lysine.
Molecular consequence: missense variant.
Genome position (GRCh38, 1-based): chr2:190,249,678, C>T on the plus strand (G>A on the coding strand, the complement: HIBCH is on the minus strand). VCF-style: chr2-190249678-C-T. GRCh37 (hg19) VCF-style: chr2-191114404-C-T.
Other names: c.712G>A, p.Glu238Lys (NM_198047.3); short protein forms E238K.
Identifiers: ClinVar variation 1958633 (VCV001958633.5), dbSNP rs777307274, ClinGen allele CA2027531.

ClinVar aggregate classification (germline): Uncertain significance (1 of 4 stars; one submission).

Conditions:
3-hydroxyisobutyryl-CoA hydrolase deficiency. Also called: HIBCH DEFICIENCY; METHACRYLIC ACID TOXICITY; METHACRYLIC ACIDURIA; VALINE METABOLIC DEFECT; Reduced circulating 3-hydroxyisobutyryl-CoA hydrolase activity; Deficiency of 3-hydroxyisobutyryl CoA hydrolase. Identifiers: Orphanet 88639, MedGen C0342738, MONDO:0009603, OMIM 250620, HP:6000215.

Allele frequency attached by ClinVar (database versions not stated): gnomAD exomes below 0.00001; ExAC 0.00002.
gnomAD v4.1: 3 of 1,608,942 alleles (0.00019%); highest among the groups gnomAD compares: Non-Finnish European, 0.00017%; no homozygotes.

Submission:

Labcorp Genetics (formerly Invitae), Labcorp
Classification: Uncertain significance for 3-hydroxyisobutyryl-CoA hydrolase deficiency. Last evaluated: 2025-10-02. Review status: criteria provided, single submitter. Criteria: Invitae Variant Classification Sherloc (09022015). Collection method: clinical testing. Allele origin: germline.
Comment: This sequence change replaces glutamic acid, which is acidic and polar, with lysine, which is basic and polar, at codon 238 of the HIBCH protein (p.Glu238Lys). This variant is present in population databases (rs777307274, gnomAD 0.002%). This variant has not been reported in the literature in individuals affected with HIBCH-related conditions. ClinVar contains an entry for this variant (Variation ID: 1958633). Invitae Evidence Modeling of protein sequence and biophysical properties (such as structural, functional, and spatial information, amino acid conservation, physicochemical variation, residue mobility, and thermodynamic stability) indicates that this missense variant is not expected to disrupt HIBCH protein function with a negative predictive value of 80%. In summary, the available evidence is currently insufficient to determine the role of this variant in disease. Therefore, it has been classified as a Variant of Uncertain Significance.